The following is an entry in ClinVar:

ClinVar aggregate classification (germline): Uncertain significance (1 of 4 stars; one submission).

gnomAD v4.1: 10 of 1,613,910 alleles (0.00062%); highest among the groups gnomAD compares: Non-Finnish European, 0.00051%; no homozygotes.

Submission:

Labcorp Genetics (formerly Invitae), Labcorp
Classification: Uncertain significance. Last evaluated: 2024-05-15. Review status: criteria provided, single submitter. Criteria: Invitae Variant Classification Sherloc (09022015). Collection method: clinical testing. Allele origin: germline.
Comment: This sequence change falls in intron 3 of the SLC7A14 gene. It does not directly change the encoded amino acid sequence of the SLC7A14 protein. It affects a nucleotide within the consensus splice site. This variant is present in population databases (rs763828026, gnomAD 0.002%). This variant has not been reported in the literature in individuals affected with SLC7A14-related conditions. Variants that disrupt the consensus splice site are a relatively common cause of aberrant splicing (PMID: 17576681, 9536098). Algorithms developed to predict the effect of sequence changes on RNA splicing suggest that this variant may disrupt the consensus splice site. In summary, the available evidence is currently insufficient to determine the role of this variant in disease. Therefore, it has been classified as a Variant of Uncertain Significance.

Literature cited by the submitters: PubMed 17576681; PubMed 9536098.

NM_020949.3(SLC7A14):c.541+5G>A

Genes: SLC7A14 (solute carrier family 7 member 14; minus strand), SLC7A14-AS1 (SLC7A14 antisense RNA 1; plus strand). Cytogenetic location: 3q26.2.
Variant type: single nucleotide variant.
Coding change: c.541+5G>A on transcript NM_020949.3 (MANE Select); 5 bases into the intron after coding-DNA position 541, G replaced by A.
Molecular consequence: intron variant.
Genome position (GRCh38, 1-based): chr3:170,501,104, C>T on the plus strand (G>A on the coding strand, the complement: SLC7A14 is on the minus strand). VCF-style: chr3-170501104-C-T. GRCh37 (hg19) VCF-style: chr3-170218893-C-T.
Identifiers: ClinVar variation 3699684 (VCV003699684.2).